The following is an entry in ClinVar:

NM_172362.3(KCNH1):c.2699C>T (p.Pro900Leu)

Gene: KCNH1 (potassium voltage-gated channel subfamily H member 1; minus strand). Cytogenetic location: 1q32.2.
Variant type: single nucleotide variant.
Coding change: c.2699C>T on transcript NM_172362.3 (MANE Select); coding-DNA position 2699, C replaced by T.
Protein change: p.Pro900Leu; replaces proline 900 with leucine.
Molecular consequence: missense variant.
Genome position (GRCh38, 1-based): chr1:210,683,552, G>A on the plus strand (C>T on the coding strand, the complement: KCNH1 is on the minus strand). VCF-style: chr1-210683552-G-A. GRCh37 (hg19) VCF-style: chr1-210856894-G-A.
Other names: c.2618C>T, p.Pro873Leu (NM_002238.4); short protein forms P873L, P900L.
Identifiers: ClinVar variation 3633725 (VCV003633725.2).

ClinVar aggregate classification (germline): Uncertain significance (1 of 4 stars; one submission).

Submission:

Labcorp Genetics (formerly Invitae), Labcorp
Classification: Uncertain significance. Last evaluated: 2024-09-03. Review status: criteria provided, single submitter. Criteria: Invitae Variant Classification Sherloc (09022015). Collection method: clinical testing. Allele origin: germline.
Comment: This sequence change replaces proline, which is neutral and non-polar, with leucine, which is neutral and non-polar, at codon 900 of the KCNH1 protein (p.Pro900Leu). This variant is not present in population databases (gnomAD no frequency). This variant has not been reported in the literature in individuals affected with KCNH1-related conditions. Invitae Evidence Modeling of protein sequence and biophysical properties (such as structural, functional, and spatial information, amino acid conservation, physicochemical variation, residue mobility, and thermodynamic stability) indicates that this missense variant is not expected to disrupt KCNH1 protein function with a negative predictive value of 95%. In summary, the available evidence is currently insufficient to determine the role of this variant in disease. Therefore, it has been classified as a Variant of Uncertain Significance.